The following is an entry in ClinVar:

ClinVar aggregate classification (germline): Uncertain significance (1 of 4 stars; one submission).

Conditions:
EGFR-related lung cancer (EGFR). Identifiers: MedGen CN130014.

Submission:

Labcorp Genetics (formerly Invitae), Labcorp
Classification: Uncertain significance for EGFR-related lung cancer. Last evaluated: 2022-07-12. Review status: criteria provided, single submitter. Criteria: Invitae Variant Classification Sherloc (09022015). Collection method: clinical testing. Allele origin: germline.
Comment: This sequence change replaces glycine, which is neutral and non-polar, with cysteine, which is neutral and slightly polar, at codon 378 of the EGFR protein (p.Gly378Cys). This variant is not present in population databases (gnomAD no frequency). In summary, the available evidence is currently insufficient to determine the role of this variant in disease. Therefore, it has been classified as a Variant of Uncertain Significance. Algorithms developed to predict the effect of sequence changes on RNA splicing suggest that this variant may create or strengthen a splice site. Algorithms developed to predict the effect of missense changes on protein structure and function are either unavailable or do not agree on the potential impact of this missense change (SIFT: "Tolerated"; PolyPhen-2: "Probably Damaging"; Align-GVGD: "Class C15"). This variant has not been reported in the literature in individuals affected with EGFR-related conditions.

NM_005228.5(EGFR):c.1132G>T (p.Gly378Cys)

Genes: EGFR (epidermal growth factor receptor; plus strand), LOC126860048 (P300/CBP strongly-dependent group 1 enhancer GRCh37_chr7:55223847-55225046; plus strand). Cytogenetic location: 7p11.2.
Variant type: single nucleotide variant.
Coding change: c.1132G>T on transcript NM_005228.5 (MANE Select); coding-DNA position 1132, G replaced by T.
Protein change: p.Gly378Cys; replaces glycine 378 with cysteine.
Molecular consequence: missense variant.
Genome position (GRCh38, 1-based): chr7:55,156,658, G>T. VCF-style: chr7-55156658-G-T. GRCh37 (hg19) VCF-style: chr7-55224351-G-T.
Other names: c.997G>T, p.Gly333Cys (NM_001346897.2, NM_001346899.2); c.1132G>T, p.Gly378Cys (NM_001346898.2, NM_201282.2, NM_201283.2 and 1 more transcripts); c.973G>T, p.Gly325Cys (NM_001346900.2); c.331G>T, p.Gly111Cys (NM_001346941.2); short protein forms G325C, G333C, G378C, G111C.
Identifiers: ClinVar variation 2014942 (VCV002014942.4), dbSNP rs2128938460, ClinGen allele CA367578466.
Genomic context (GRCh38, chr7:55,156,658, plus strand): 5'-CACTTCAAAAACTGCACCTCCATCAGTGGCGATCTCCACATCCTGCCGGTGGCATTTAGG[G>T]GGTGAGTCACAGGTTCAGTTGCTTGTATAAAGAAAAACAAAATCTGCCTTTTTAACTGGT-3'
Protein context (NP_005219.2, residues 368-388): DLHILPVAFR[Gly378Cys]DSFTHTPPLD